The following is an entry in ClinVar:

ClinVar aggregate classification (germline): Benign/Likely benign. Review status: criteria provided, multiple submitters, no conflicts (2 of 4 stars). 2 submissions from 2 submitters: Benign (1); Likely benign (1). Last evaluated 2026-03-03.

Conditions:
Spermatogenic failure 18. Identifiers: MedGen C4539783, MONDO:0054615, OMIM 617576.
Ciliary dyskinesia, primary, 37 (CILD37). Also called: CILIARY DYSKINESIA, PRIMARY, 37, WITH OR WITHOUT SITUS INVERSUS. Identifiers: MedGen C4539798, MONDO:0033204, OMIM 617577.
DNAH1-related disorder. Also called: DNAH1-related condition.

Allele frequency attached by ClinVar (database versions not stated): gnomAD 0.00004; gnomAD exomes 0.00005 and 0.00029; ESP Exome Variant Server 0.00008; TOPMed 0.00008; ExAC 0.00031.
gnomAD v4.1: 80 of 1,612,532 alleles (0.005%); highest among the groups gnomAD compares: Admixed American, 0.13%; 1 homozygote.

Submissions (2):

PreventionGenetics, part of Exact Sciences
Classification: Likely benign for DNAH1-related condition. Last evaluated: 2026-03-03. Review status: criteria provided, single submitter. Criteria: ACMG Guidelines, 2015. Collection method: clinical testing. Allele origin: germline.
Comment: This variant is classified as likely benign based on ACMG/AMP sequence variant interpretation guidelines (Richards et al. 2015 PMID: 25741868, with internal and published modifications).

Labcorp Genetics (formerly Invitae), Labcorp
Classification: Benign for Ciliary dyskinesia, primary, 37; Spermatogenic failure 18. Last evaluated: 2025-12-10. Review status: criteria provided, single submitter. Criteria: Invitae Variant Classification Sherloc (09022015). Collection method: clinical testing. Allele origin: germline.

NM_015512.5(DNAH1):c.1287-4G>T

Gene: DNAH1 (dynein axonemal heavy chain 1; plus strand). Cytogenetic location: 3p21.1.
Variant type: single nucleotide variant.
Coding change: c.1287-4G>T on transcript NM_015512.5 (MANE Select); 4 bases into the intron before coding-DNA position 1287, G replaced by T.
Molecular consequence: intron variant.
Genome position (GRCh38, 1-based): chr3:52,344,486, G>T. VCF-style: chr3-52344486-G-T. GRCh37 (hg19) VCF-style: chr3-52378502-G-T.
Identifiers: ClinVar variation 771271 (VCV000771271.9), dbSNP rs374363260, ClinGen allele CA2432942.